The following is an entry in ClinVar:

NM_000836.4(GRIN2D):c.101G>A (p.Gly34Glu)

Gene: GRIN2D (glutamate ionotropic receptor NMDA type subunit 2D; plus strand). Cytogenetic location: 19q13.33.
Variant type: single nucleotide variant.
Coding change: c.101G>A on transcript NM_000836.4 (MANE Select); coding-DNA position 101, G replaced by A.
Protein change: p.Gly34Glu; replaces glycine 34 with glutamic acid.
Molecular consequence: missense variant.
Genome position (GRCh38, 1-based): chr19:48,398,493, G>A. VCF-style: chr19-48398493-G-A. GRCh37 (hg19) VCF-style: chr19-48901750-G-A.
Other names: short protein forms G34E.
Identifiers: ClinVar variation 2960411 (VCV002960411.3), dbSNP rs943944286, ClinGen allele CA309325471.

ClinVar aggregate classification (germline): Uncertain significance (1 of 4 stars; one submission).

Allele frequency attached by ClinVar (database versions not stated): gnomAD 0.00001; TOPMed 0.00001.

Submission:

Labcorp Genetics (formerly Invitae), Labcorp
Classification: Uncertain significance. Last evaluated: 2025-03-03. Review status: criteria provided, single submitter. Criteria: Invitae Variant Classification Sherloc (09022015). Collection method: clinical testing. Allele origin: germline.
Comment: This sequence change replaces glycine, which is neutral and non-polar, with glutamic acid, which is acidic and polar, at codon 34 of the GRIN2D protein (p.Gly34Glu). This variant is present in population databases (no rsID available, gnomAD 0.007%). This variant has not been reported in the literature in individuals affected with GRIN2D-related conditions. ClinVar contains an entry for this variant (Variation ID: 2960411). Invitae Evidence Modeling of protein sequence and biophysical properties (such as structural, functional, and spatial information, amino acid conservation, physicochemical variation, residue mobility, and thermodynamic stability) indicates that this missense variant is not expected to disrupt GRIN2D protein function with a negative predictive value of 95%. In summary, the available evidence is currently insufficient to determine the role of this variant in disease. Therefore, it has been classified as a Variant of Uncertain Significance.